The following is an entry in ClinVar:

NM_007254.4(PNKP):c.1298+8G>C

Gene: PNKP (polynucleotide kinase 3'-phosphatase; minus strand). Cytogenetic location: 19q13.33.
Variant type: single nucleotide variant.
Coding change: c.1298+8G>C on transcript NM_007254.4 (MANE Select); 8 bases into the intron after coding-DNA position 1298, G replaced by C.
Molecular consequence: intron variant.
Genome position (GRCh38, 1-based): chr19:49,861,764, C>G on the plus strand (G>C on the coding strand, the complement: PNKP is on the minus strand). VCF-style: chr19-49861764-C-G. GRCh37 (hg19) VCF-style: chr19-50365021-C-G.
Identifiers: ClinVar variation 509362 (VCV000509362.1), dbSNP rs1555810842, ClinGen allele CA658799276.
Genomic context (GRCh38, chr19:49,861,764, plus strand): 5'-GAAGGAGCTGGATGTGCAGGCCCCGCCCACCCCGCCGCAGGCCACCTACGGCCCCGCGGT[C>G]ACGCTACCTGGCGCGGCTCGCGGCGTCTGGGTTTGTGTTGTCGATGGCGACCCGTTTCCC-3'

ClinVar aggregate classification (germline): Likely benign (1 of 4 stars; one submission).

Submission:

GeneDx
Classification: Likely benign. Last evaluated: 2018-03-12. Review status: criteria provided, single submitter. Criteria: GeneDx Variant Classification (06012015). Collection method: clinical testing. Allele origin: germline. Affected: yes.
Comment: This variant is considered likely benign or benign based on one or more of the following criteria: it is a conservative change, it occurs at a poorly conserved position in the protein, it is predicted to be benign by multiple in silico algorithms, and/or has population frequency not consistent with disease.